The following is an entry in ClinVar:

NM_004415.4(DSP):c.79C>G (p.Arg27Gly)

Genes: DSP (desmoplakin; plus strand), DSP-AS1 (DSP antisense RNA 1; minus strand). Cytogenetic location: 6p24.3.
Variant type: single nucleotide variant.
Coding change: c.79C>G on transcript NM_004415.4 (MANE Select); coding-DNA position 79, C replaced by G.
Protein change: p.Arg27Gly; replaces arginine 27 with glycine.
Molecular consequence: missense variant.
Genome position (GRCh38, 1-based): chr6:7,541,994, C>G. VCF-style: chr6-7541994-C-G. GRCh37 (hg19) VCF-style: chr6-7542227-C-G.
Other names: c.79C>G, p.Arg27Gly (NM_001008844.3, NM_001319034.2, NM_001406591.1); short protein forms R27G.
Identifiers: ClinVar variation 3224251 (VCV003224251.1), dbSNP rs762198350, ClinGen allele CA362675705.

ClinVar aggregate classification (germline): Uncertain significance (1 of 4 stars; one submission).

Conditions:
Cardiovascular phenotype. Identifiers: MedGen CN230736.

Submission:

Ambry Genetics
Classification: Uncertain significance for Cardiovascular phenotype. Last evaluated: 2023-12-07. Review status: criteria provided, single submitter. Criteria: Ambry Variant Classification Scheme 2023. Collection method: clinical testing. Allele origin: germline.
Comment: The p.R27G variant (also known as c.79C>G), located in coding exon 1 of the DSP gene, results from a C to G substitution at nucleotide position 79. The arginine at codon 27 is replaced by glycine, an amino acid with dissimilar properties. This amino acid position is conserved. In addition, the in silico prediction for this alteration is inconclusive. Since supporting evidence is limited at this time, the clinical significance of this alteration remains unclear.